The following is an entry in ClinVar:

NM_006231.4(POLE):c.1759A>C (p.Lys587Gln)

Gene: POLE (DNA polymerase epsilon, catalytic subunit; minus strand). Cytogenetic location: 12q24.33.
Variant type: single nucleotide variant.
Coding change: c.1759A>C on transcript NM_006231.4 (MANE Select); coding-DNA position 1759, A replaced by C.
Protein change: p.Lys587Gln; replaces lysine 587 with glutamine.
Molecular consequence: missense variant.
Genome position (GRCh38, 1-based): chr12:132,672,250, T>G on the plus strand (A>C on the coding strand, the complement: POLE is on the minus strand). VCF-style: chr12-132672250-T-G. GRCh37 (hg19) VCF-style: chr12-133248836-T-G.
Other names: short protein forms K587Q.
Identifiers: ClinVar variation 405605 (VCV000405605.11), dbSNP rs1060500781, ClinGen allele CA16613637.
Genomic context (GRCh38, chr12:132,672,250, plus strand): 5'-CTCTTCCTGCCTCCCTGATGGTTACCTCTTCAAAGTTGGTGACTTGCTCCACAGGCACTT[T>G]CTCCTCTTCCTCAAGGGCGTGGCGCAAGGTCTTCTCAACCCGCTGCAGCAGGAAGTCAAA-3'
Protein context (NP_006222.2, residues 577-597): TLRHALEEEE[Lys587Gln]VPVEQVTNFE

ClinVar aggregate classification (germline): Uncertain significance. Review status: criteria provided, multiple submitters, no conflicts (2 of 4 stars). 2 submissions from 2 submitters: Uncertain significance (2). Last evaluated 2023-09-23.

Conditions:
Hereditary cancer-predisposing syndrome. Also called: Hereditary Cancer Syndrome; Hereditary neoplastic syndrome; Neoplastic Syndromes, Hereditary; Tumor predisposition. Identifiers: Orphanet 140162, MedGen C0027672, MeSH D009386, MONDO:0015356.

Submissions (2):

Ambry Genetics
Classification: Uncertain significance for Hereditary cancer-predisposing syndrome. Last evaluated: 2023-09-23. Review status: criteria provided, single submitter. Criteria: Ambry Variant Classification Scheme 2023. Collection method: clinical testing. Allele origin: germline.
Comment: The p.K587Q variant (also known as c.1759A>C), located in coding exon 16 of the POLE gene, results from an A to C substitution at nucleotide position 1759. The lysine at codon 587 is replaced by glutamine, an amino acid with similar properties. This amino acid position is conserved. In addition, this alteration is predicted to be tolerated by in silico analysis. Since supporting evidence is limited at this time, the clinical significance of this alteration remains unclear.

Labcorp Genetics (formerly Invitae), Labcorp
Classification: Uncertain significance. Last evaluated: 2016-11-18. Review status: criteria provided, single submitter. Criteria: Invitae Variant Classification Sherloc (09022015). Collection method: clinical testing. Allele origin: germline.
Comment: This sequence change replaces lysine with glutamine at codon 587 of the POLE protein (p.Lys587Gln). The lysine residue is moderately conserved and there is a small physicochemical difference between lysine and glutamine. This variant is not present in population databases (ExAC no frequency) and has not been reported in the literature in individuals with a POLE-related disease. Algorithms developed to predict the effect of missense changes on protein structure and function (SIFT, PolyPhen-2, Align-GVGD) all suggest that this variant is likely to be tolerated, but these predictions have not been confirmed by published functional studies. In summary, this variant is a novel missense change that is not predicted to affect protein function. There is no indication that it causes disease, but the available evidence is currently insufficient to prove that conclusively. Therefore, it has been classified as a Variant of Uncertain Significance.